The following is an entry in ClinVar:

ClinVar aggregate classification (germline): Uncertain significance (1 of 4 stars; one submission).

Submission:

Labcorp Genetics (formerly Invitae), Labcorp
Classification: Uncertain significance. Last evaluated: 2024-02-05. Review status: criteria provided, single submitter. Criteria: Invitae Variant Classification Sherloc (09022015). Collection method: clinical testing. Allele origin: germline.
Comment: This sequence change creates a premature translational stop signal (p.Ile1138Asnfs*2) in the CCDC141 gene. It is expected to result in an absent or disrupted protein product. However, the current clinical and genetic evidence is not sufficient to establish whether loss-of-function variants in CCDC141 cause disease. This variant is not present in population databases (gnomAD no frequency). This variant has not been reported in the literature in individuals affected with CCDC141-related conditions. In summary, the available evidence is currently insufficient to determine the role of this variant in disease. Therefore, it has been classified as a Variant of Uncertain Significance.

NM_173648.4(CCDC141):c.3412dup (p.Ile1138fs)

Gene: CCDC141 (coiled-coil domain containing 141; minus strand). Cytogenetic location: 2q31.2.
Variant type: Duplication.
Coding change: c.3412dup on transcript NM_173648.4 (MANE Select); coding-DNA position 3412, one base duplicated (A; older notation c.3412dupA).
Protein change: p.Ile1138fs; shifts the reading frame from isoleucine 1138.
Molecular consequence: frameshift variant.
Genome position (GRCh38, 1-based): chr2:178,845,688, T duplicated on the plus strand (A on the coding strand, the reverse complement: CCDC141 is on the minus strand). VCF-style (leftmost placement, unchanged base first): chr2-178845687-A-AT. GRCh37 (hg19) VCF-style: chr2-179710414-A-AT.
Other names: short protein forms I1138fs.
Identifiers: ClinVar variation 2716356 (VCV002716356.3), dbSNP rs2535207369, ClinGen allele CA2697551414.